The following is an entry in ClinVar:

NM_001098511.3(KIF2A):c.2136A>T (p.Leu712Phe)

Gene: KIF2A (kinesin family member 2A; plus strand). Cytogenetic location: 5q12.1.
Variant type: single nucleotide variant.
Coding change: c.2136A>T on transcript NM_001098511.3 (MANE Select); coding-DNA position 2136, A replaced by T.
Protein change: p.Leu712Phe; replaces leucine 712 with phenylalanine.
Molecular consequence: missense variant.
Genome position (GRCh38, 1-based): chr5:62,381,240, A>T. VCF-style: chr5-62381240-A-T. GRCh37 (hg19) VCF-style: chr5-61677067-A-T.
Other names: c.1941A>T, p.Leu647Phe (NM_001243952.2); c.1965A>T, p.Leu655Phe (NM_001243953.2); c.2022A>T, p.Leu674Phe (NM_004520.5); short protein forms L647F, L655F, L674F, L712F.
Identifiers: ClinVar variation 1804710 (VCV001804710.5), dbSNP rs1561283155, ClinGen allele CA359822509.

ClinVar aggregate classification (germline): Uncertain significance. Review status: criteria provided, multiple submitters, no conflicts (2 of 4 stars). 3 submissions from 3 submitters: Uncertain significance (3). Last evaluated 2025-06-24.

Conditions:
Inborn genetic diseases. Identifiers: MedGen C0950123, MeSH D030342.

Allele frequency attached by ClinVar (database versions not stated): gnomAD exomes below 0.00001; gnomAD 0.00001; TOPMed 0.00001.
gnomAD v4.1: 2 of 1,612,548 alleles (0.00012%); highest among the groups gnomAD compares: African/African-American, 0.0027%; no homozygotes.

Submissions (3):

Ambry Genetics
Classification: Uncertain significance for Inborn genetic diseases. Last evaluated: 2025-06-24. Review status: criteria provided, single submitter. Criteria: Ambry Variant Classification Scheme 2023. Collection method: clinical testing. Allele origin: germline.

Labcorp Genetics (formerly Invitae), Labcorp
Classification: Uncertain significance. Last evaluated: 2023-03-20. Review status: criteria provided, single submitter. Criteria: Invitae Variant Classification Sherloc (09022015). Collection method: clinical testing. Allele origin: germline.
Comment: In summary, the available evidence is currently insufficient to determine the role of this variant in disease. Therefore, it has been classified as a Variant of Uncertain Significance. An algorithm developed to predict the effect of missense changes on protein structure and function (PolyPhen-2) suggests that this variant is likely to be tolerated. ClinVar contains an entry for this variant (Variation ID: 1804710). This variant has not been reported in the literature in individuals affected with KIF2A-related conditions. This variant is not present in population databases (gnomAD no frequency). This sequence change replaces leucine, which is neutral and non-polar, with phenylalanine, which is neutral and non-polar, at codon 712 of the KIF2A protein (p.Leu712Phe).

Women's Health and Genetics/Laboratory Corporation of America, LabCorp
Classification: Uncertain significance. Last evaluated: 2022-11-16. Review status: criteria provided, single submitter. Criteria: LabCorp Variant Classification Summary - May 2015. Collection method: clinical testing. Allele origin: germline.
Comment: Variant summary: KIF2A c.2136A>T (p.Leu712Phe) results in a non-conservative amino acid change in the encoded protein sequence. Three of five in-silico tools predict a benign effect of the variant on protein function. The variant allele was found at a frequency of 4e-06 in 250946 control chromosomes (gnomAD). The available data on variant occurrences in the general population are insufficient to allow any conclusion about variant significance. To our knowledge, no occurrence of c.2136A>T in individuals affected with Complex Cortical Dysplasia With Other Brain Malformations 3 and no experimental evidence demonstrating its impact on protein function have been reported. No clinical diagnostic laboratories have submitted clinical-significance assessments for this variant to ClinVar after 2014. Based on the evidence outlined above, the variant was classified as uncertain significance.